The following is an entry in ClinVar:

ClinVar aggregate classification (germline): Uncertain significance (1 of 4 stars; one submission).

Conditions:
Tay-Sachs disease (TSD). Also called: HEXA DEFICIENCY; GM2 gangliosidosis, type 1; Hexosaminidase alpha-subunit deficiency (variant B); Sphingolipidosis, Tay-Sachs; Hexosaminidase A Deficiency; HEXA Disorders. Identifiers: Orphanet 845, MedGen C0039373, MONDO:0010100, OMIM 272800.

Allele frequency attached by ClinVar (database versions not stated): gnomAD exomes below 0.00001; TOPMed 0.00002; gnomAD 0.00003 and 0.00005.
gnomAD v4.1: 14 of 1,611,912 alleles (0.00087%); highest among the groups gnomAD compares: African/African-American, 0.013%; no homozygotes.

Submission:

Labcorp Genetics (formerly Invitae), Labcorp
Classification: Uncertain significance for Tay-Sachs disease. Last evaluated: 2022-07-04. Review status: criteria provided, single submitter. Criteria: Invitae Variant Classification Sherloc (09022015). Collection method: clinical testing. Allele origin: germline.
Comment: This sequence change falls in intron 12 of the HEXA gene. It does not directly change the encoded amino acid sequence of the HEXA protein. It affects a nucleotide within the consensus splice site. This variant is present in population databases (no rsID available, gnomAD 0.01%). This variant has not been reported in the literature in individuals affected with HEXA-related conditions. ClinVar contains an entry for this variant (Variation ID: 1384792). Variants that disrupt the consensus splice site are a relatively common cause of aberrant splicing (PMID: 17576681, 9536098). Algorithms developed to predict the effect of sequence changes on RNA splicing suggest that this variant may create or strengthen a splice site. In summary, the available evidence is currently insufficient to determine the role of this variant in disease. Therefore, it has been classified as a Variant of Uncertain Significance.

Literature cited by the submitters: PubMed 17576681; PubMed 9536098.

NM_000520.6(HEXA):c.1421+4A>G

Gene: HEXA (hexosaminidase subunit alpha; minus strand). Cytogenetic location: 15q23.
Variant type: single nucleotide variant.
Coding change: c.1421+4A>G on transcript NM_000520.6 (MANE Select); 4 bases into the intron after coding-DNA position 1421, A replaced by G.
Molecular consequence: intron variant.
Genome position (GRCh38, 1-based): chr15:72,346,231, T>C on the plus strand (A>G on the coding strand, the complement: HEXA is on the minus strand). VCF-style: chr15-72346231-T-C. GRCh37 (hg19) VCF-style: chr15-72638572-T-C.
Other names: c.1454+4A>G (NM_001318825.2).
Identifiers: ClinVar variation 1384792 (VCV001384792.3), dbSNP rs953579005, ClinGen allele CA272609679.